The following is an entry in ClinVar:

NM_000264.5(PTCH1):c.3875C>T (p.Ser1292Phe)

Gene: PTCH1 (patched 1; minus strand). Cytogenetic location: 9q22.32.
Variant type: single nucleotide variant.
Coding change: c.3875C>T on transcript NM_000264.5 (MANE Select); coding-DNA position 3875, C replaced by T.
Protein change: p.Ser1292Phe; replaces serine 1292 with phenylalanine.
Molecular consequence: missense variant. On other transcripts: non-coding transcript variant (1).
Genome position (GRCh38, 1-based): chr9:95,447,381, G>A on the plus strand (C>T on the coding strand, the complement: PTCH1 is on the minus strand). VCF-style: chr9-95447381-G-A. GRCh37 (hg19) VCF-style: chr9-98209663-G-A.
Other names: c.3677C>T, p.Ser1226Phe (NM_001083602.3); c.3872C>T, p.Ser1291Phe (NM_001083603.3); c.3422C>T, p.Ser1141Phe (NM_001083604.3, NM_001083605.3, NM_001083606.3 and 1 more transcripts); c.3719C>T, p.Ser1240Phe (NM_001354918.2); c.3875C>T (NM_000264.3); short protein forms S1240F, S1141F, S1226F, S1291F, S1292F.
Identifiers: ClinVar variation 1041900 (VCV001041900.10), dbSNP rs760216958, ClinGen allele CA5138020.

ClinVar aggregate classification (germline): Uncertain significance. Review status: criteria provided, multiple submitters, no conflicts (2 of 4 stars). 2 submissions from 2 submitters: Uncertain significance (2). Last evaluated 2025-02-17.

Conditions:
Hereditary cancer-predisposing syndrome. Also called: Hereditary neoplastic syndrome; Neoplastic Syndromes, Hereditary; Tumor predisposition; Hereditary Cancer Syndrome. Identifiers: Orphanet 140162, MedGen C0027672, MeSH D009386, MONDO:0015356.
Gorlin syndrome. Also called: Nevoid Basal Cell Carcinoma Syndrome; Basal cell nevus syndrome. Identifiers: Orphanet 377, MedGen C0004779, MONDO:0007187.

Allele frequency attached by ClinVar (database versions not stated): gnomAD exomes below 0.00001 and 0.00001; ExAC 0.00002.
gnomAD v4.1: 2 of 1,612,764 alleles (0.00012%); highest among the groups gnomAD compares: Non-Finnish European, 0.00017%; no homozygotes.

Submissions (2):

Ambry Genetics
Classification: Uncertain significance for Hereditary cancer-predisposing syndrome. Last evaluated: 2025-02-17. Review status: criteria provided, single submitter. Criteria: Ambry Variant Classification Scheme 2023. Collection method: clinical testing. Allele origin: germline.
Comment: The p.S1292F variant (also known as c.3875C>T), located in coding exon 23 of the PTCH1 gene, results from a C to T substitution at nucleotide position 3875. The serine at codon 1292 is replaced by phenylalanine, an amino acid with highly dissimilar properties. This amino acid position is conserved. In addition, this alteration is predicted to be tolerated by in silico analysis. Based on the available evidence, the clinical significance of this variant remains unclear.

Labcorp Genetics (formerly Invitae), Labcorp
Classification: Uncertain significance for Gorlin syndrome. Last evaluated: 2020-03-18. Review status: criteria provided, single submitter. Criteria: Invitae Variant Classification Sherloc (09022015). Collection method: clinical testing. Allele origin: germline.
Comment: This variant is present in population databases (rs760216958, ExAC 0.003%). This sequence change replaces serine with phenylalanine at codon 1292 of the PTCH1 protein (p.Ser1292Phe). The serine residue is weakly conserved and there is a large physicochemical difference between serine and phenylalanine. In summary, the available evidence is currently insufficient to determine the role of this variant in disease. Therefore, it has been classified as a Variant of Uncertain Significance. Algorithms developed to predict the effect of missense changes on protein structure and function output the following: SIFT: "Tolerated"; PolyPhen-2: "Benign"; Align-GVGD: "Class C0". The phenylalanine amino acid residue is found in multiple mammalian species, suggesting that this missense change does not adversely affect protein function. These predictions have not been confirmed by published functional studies and their clinical significance is uncertain. This variant has not been reported in the literature in individuals with PTCH1-related conditions.